The following is an entry in ClinVar:

NM_015512.5(DNAH1):c.12585G>A (p.Met4195Ile)

Gene: DNAH1 (dynein axonemal heavy chain 1; plus strand). Cytogenetic location: 3p21.1.
Variant type: single nucleotide variant.
Coding change: c.12585G>A on transcript NM_015512.5 (MANE Select); coding-DNA position 12585, G replaced by A.
Protein change: p.Met4195Ile; replaces methionine 4195 with isoleucine.
Molecular consequence: missense variant.
Genome position (GRCh38, 1-based): chr3:52,399,688, G>A. VCF-style: chr3-52399688-G-A. GRCh37 (hg19) VCF-style: chr3-52433704-G-A.
Other names: short protein forms M4195I.
Identifiers: ClinVar variation 2191083 (VCV002191083.4), dbSNP rs1704818585, ClinGen allele CA353087999.

ClinVar aggregate classification (germline): Uncertain significance (1 of 4 stars; one submission).

Conditions:
Ciliary dyskinesia, primary, 37 (CILD37). Also called: CILIARY DYSKINESIA, PRIMARY, 37, WITH OR WITHOUT SITUS INVERSUS. Identifiers: MedGen C4539798, MONDO:0033204, OMIM 617577.
Spermatogenic failure 18. Identifiers: MedGen C4539783, MONDO:0054615, OMIM 617576.

Allele frequency attached by ClinVar (database versions not stated): gnomAD exomes below 0.00001.
gnomAD v4.1: 2 of 1,614,034 alleles (0.00012%); highest among the groups gnomAD compares: East Asian, 0.0045%; no homozygotes.

Submission:

Labcorp Genetics (formerly Invitae), Labcorp
Classification: Uncertain significance for Ciliary dyskinesia, primary, 37; Spermatogenic failure 18. Last evaluated: 2022-05-20. Review status: criteria provided, single submitter. Criteria: Invitae Variant Classification Sherloc (09022015). Collection method: clinical testing. Allele origin: germline.
Comment: This sequence change replaces methionine, which is neutral and non-polar, with isoleucine, which is neutral and non-polar, at codon 4195 of the DNAH1 protein (p.Met4195Ile). This variant is not present in population databases (gnomAD no frequency). This variant has not been reported in the literature in individuals affected with DNAH1-related conditions. Algorithms developed to predict the effect of missense changes on protein structure and function are either unavailable or do not agree on the potential impact of this missense change (SIFT: "Deleterious"; PolyPhen-2: "Benign"; Align-GVGD: "Class C0"). In summary, the available evidence is currently insufficient to determine the role of this variant in disease. Therefore, it has been classified as a Variant of Uncertain Significance.